The following is an entry in ClinVar:

NM_033124.5(DRC2):c.823T>G (p.Ser275Ala)

Gene: DRC2 (dynein regulatory complex subunit 2; plus strand). Cytogenetic location: 12q13.12.
Variant type: single nucleotide variant.
Coding change: c.823T>G on transcript NM_033124.5 (MANE Select); coding-DNA position 823, T replaced by G.
Protein change: p.Ser275Ala; replaces serine 275 with alanine.
Molecular consequence: missense variant.
Genome position (GRCh38, 1-based): chr12:48,918,700, T>G. VCF-style: chr12-48918700-T-G. GRCh37 (hg19) VCF-style: chr12-49312483-T-G.
Other names: c.394T>G, p.Ser132Ala (NM_001286957.2); short protein forms S275A, S132A.
Identifiers: ClinVar variation 1463245 (VCV001463245.8), dbSNP rs1952389157, ClinGen allele CA384630675.

ClinVar aggregate classification (germline): Uncertain significance (1 of 4 stars; one submission).

Conditions:
Primary ciliary dyskinesia 27. Also called: CILIARY DYSKINESIA, PRIMARY, 27, WITHOUT SITUS INVERSUS. Identifiers: Orphanet 244, MedGen C3809701, MONDO:0014215, OMIM 615504.

Allele frequency attached by ClinVar (database versions not stated): TOPMed 0.00001.

Submission:

Labcorp Genetics (formerly Invitae), Labcorp
Classification: Uncertain significance for Primary ciliary dyskinesia 27. Last evaluated: 2024-01-15. Review status: criteria provided, single submitter. Criteria: Invitae Variant Classification Sherloc (09022015). Collection method: clinical testing. Allele origin: germline.
Comment: This sequence change replaces serine, which is neutral and polar, with alanine, which is neutral and non-polar, at codon 275 of the CCDC65 protein (p.Ser275Ala). This variant is not present in population databases (gnomAD no frequency). This variant has not been reported in the literature in individuals affected with CCDC65-related conditions. ClinVar contains an entry for this variant (Variation ID: 1463245). An algorithm developed to predict the effect of missense changes on protein structure and function (PolyPhen-2) suggests that this variant is likely to be tolerated. In summary, the available evidence is currently insufficient to determine the role of this variant in disease. Therefore, it has been classified as a Variant of Uncertain Significance.